The following is an entry in ClinVar:

NM_152419.3(HGSNAT):c.994A>G (p.Asn332Asp)

Gene: HGSNAT (heparan-alpha-glucosaminide N-acetyltransferase; plus strand). Cytogenetic location: 8p11.21.
Variant type: single nucleotide variant.
Coding change: c.994A>G on transcript NM_152419.3 (MANE Select); coding-DNA position 994, A replaced by G.
Protein change: p.Asn332Asp; replaces asparagine 332 with aspartic acid.
Molecular consequence: missense variant. On other transcripts: intron variant (1).
Genome position (GRCh38, 1-based): chr8:43,178,216, A>G. VCF-style: chr8-43178216-A-G. GRCh37 (hg19) VCF-style: chr8-43033359-A-G.
Other names: c.994A>G, p.Asn332Asp (NM_001363227.2); c.130A>G, p.Asn44Asp (NM_001363229.2); c.821-3929A>G (NM_001363228.2); short protein forms N332D, N44D.
Identifiers: ClinVar variation 1923406 (VCV001923406.3), dbSNP rs758826519, ClinGen allele CA371117444.

ClinVar aggregate classification (germline): Uncertain significance (1 of 4 stars; one submission).

Conditions:
Retinitis pigmentosa 73 (RP73). Identifiers: Orphanet 791, MedGen C4225287, MONDO:0014687, OMIM 616544.
Mucopolysaccharidosis, MPS-III-C (MPS3C). Also called: SANFILIPPO SYNDROME C; MPS III C; Mucopolysaccharidosis type IIIC (Sanfilippo C); MUCOPOLYSACCHARIDOSIS, TYPE IIIC; mucopolysaccharidosis type 3C; MPS IIIC (Sanfilippo Syndrome Type C). Identifiers: Orphanet 581, Orphanet 79271, MedGen C0086649, MONDO:0009657, OMIM 252930.

gnomAD v4.1: 1 of 1,550,412 alleles (0.000064%); highest among the groups gnomAD compares: Admixed American, 0.0021%; no homozygotes.

Submission:

Labcorp Genetics (formerly Invitae), Labcorp
Classification: Uncertain significance for Retinitis pigmentosa 73; Mucopolysaccharidosis, MPS-III-C. Last evaluated: 2022-03-01. Review status: criteria provided, single submitter. Criteria: Invitae Variant Classification Sherloc (09022015). Collection method: clinical testing. Allele origin: germline.
Comment: In summary, the available evidence is currently insufficient to determine the role of this variant in disease. Therefore, it has been classified as a Variant of Uncertain Significance. Algorithms developed to predict the effect of missense changes on protein structure and function (SIFT, PolyPhen-2, Align-GVGD) all suggest that this variant is likely to be tolerated. This variant has not been reported in the literature in individuals affected with HGSNAT-related conditions. This variant is present in population databases (no rsID available, gnomAD 0.004%). This sequence change replaces asparagine, which is neutral and polar, with aspartic acid, which is acidic and polar, at codon 332 of the HGSNAT protein (p.Asn332Asp).